The following is an entry in ClinVar:

ClinVar aggregate classification (germline): Uncertain significance (1 of 4 stars; one submission).

Allele frequency attached by ClinVar (database versions not stated): gnomAD 0.00001; TOPMed 0.00002.
gnomAD v4.1: 4 of 1,210,639 alleles (0.00033%); highest among the groups gnomAD compares: African/African-American, 0.007%; no homozygotes.

Submission:

Labcorp Genetics (formerly Invitae), Labcorp
Classification: Uncertain significance. Last evaluated: 2024-05-06. Review status: criteria provided, single submitter. Criteria: Invitae Variant Classification Sherloc (09022015). Collection method: clinical testing. Allele origin: germline.
Comment: This sequence change replaces proline, which is neutral and non-polar, with serine, which is neutral and polar, at codon 1008 of the AMER1 protein (p.Pro1008Ser). The frequency data for this variant in the population databases is considered unreliable, as metrics indicate poor data quality at this position in the gnomAD database. This variant has not been reported in the literature in individuals affected with AMER1-related conditions. ClinVar contains an entry for this variant (Variation ID: 1921499). Algorithms developed to predict the effect of missense changes on protein structure and function output the following: SIFT: "Not Available"; PolyPhen-2: "Benign"; Align-GVGD: "Not Available". The serine amino acid residue is found in multiple mammalian species, which suggests that this missense change does not adversely affect protein function. In summary, the available evidence is currently insufficient to determine the role of this variant in disease. Therefore, it has been classified as a Variant of Uncertain Significance.

NM_152424.4(AMER1):c.3022C>T (p.Pro1008Ser)

Gene: AMER1 (APC membrane recruitment protein 1; minus strand). Cytogenetic location: Xq11.2.
Variant type: single nucleotide variant.
Coding change: c.3022C>T on transcript NM_152424.4 (MANE Select); coding-DNA position 3022, C replaced by T.
Protein change: p.Pro1008Ser; replaces proline 1008 with serine.
Molecular consequence: missense variant.
Genome position (GRCh38, 1-based): chrX:64,190,265, G>A on the plus strand (C>T on the coding strand, the complement: AMER1 is on the minus strand). VCF-style: chrX-64190265-G-A. GRCh37 (hg19) VCF-style: chrX-63410145-G-A.
Other names: short protein forms P1008S.
Identifiers: ClinVar variation 1921499 (VCV001921499.5), dbSNP rs995009774, ClinGen allele CA329955160.
Genomic context (GRCh38, chrX:64,190,265, plus strand): 5'-GGTGTAGGTGTGAGGGACGAGCTAGTTGAGGCCCAGATTCCCCAGGTGCCCTTGACTCTG[G>A]CACTGATAGTGATATTGACATGGTCATAGGAGGTATGCAACAGGTTGCCTGCCTATATGG-3'
Protein context (NP_689637.3, residues 998-1018): PMTMSISLSV[Pro1008Ser]ESRAPGESGP